The following is an entry in ClinVar:

ClinVar aggregate classification (germline): Pathogenic (1 of 4 stars; one submission).

Allele frequency attached by ClinVar (database versions not stated): gnomAD exomes below 0.00001.
gnomAD v4.1: 2 of 1,614,092 alleles (0.00012%); highest among the groups gnomAD compares: African/African-American, 0.0013%; no homozygotes.

Submission:

CeGaT Center for Human Genetics Tuebingen
Classification: Pathogenic. Last evaluated: 2023-06-01. Review status: criteria provided, single submitter. Criteria: CeGaT Center For Human Genetics Tuebingen Variant Classification Criteria Version 2. Collection method: clinical testing. Allele origin: germline. Affected: yes. Observed: 1 variant allele.
Comment: FOXN1: PVS1, PM2

NM_001369369.1(FOXN1):c.1318C>T (p.Gln440Ter)

Gene: FOXN1 (forkhead box N1; plus strand). Cytogenetic location: 17q11.2.
Variant type: single nucleotide variant.
Coding change: c.1318C>T on transcript NM_001369369.1 (MANE Select); coding-DNA position 1318, C replaced by T.
Protein change: p.Gln440Ter; replaces glutamine 440 with a stop codon.
Molecular consequence: nonsense.
Genome position (GRCh38, 1-based): chr17:28,534,889, C>T. VCF-style: chr17-28534889-C-T. GRCh37 (hg19) VCF-style: chr17-26861907-C-T.
Other names: c.1318C>T, p.Gln440Ter (NM_003593.3); short protein forms Q440*.
Identifiers: ClinVar variation 2498699 (VCV002498699.28), dbSNP rs1055368099, ClinGen allele CA398325950.
Genomic context (GRCh38, chr17:28,534,889, plus strand): 5'-TCCCCACCACTGCACTCACTCCACCCAGCTCCAGGCCCCATTCCTGGCAAGAACCCCCTG[C>T]AGGACCTACTTATGGGGCACACACCCTCCTGCTATGGGCAGACATACTTGCACCTCTCAC-3'